The following is an entry in ClinVar:

NM_006946.4(SPTBN2):c.1218G>C (p.Glu406Asp)

Gene: SPTBN2 (spectrin beta, non-erythrocytic 2; minus strand). Cytogenetic location: 11q13.2.
Variant type: single nucleotide variant.
Coding change: c.1218G>C on transcript NM_006946.4 (MANE Select); coding-DNA position 1218, G replaced by C.
Protein change: p.Glu406Asp; replaces glutamic acid 406 with aspartic acid.
Molecular consequence: missense variant.
Genome position (GRCh38, 1-based): chr11:66,708,273, C>G on the plus strand (G>C on the coding strand, the complement: SPTBN2 is on the minus strand). VCF-style: chr11-66708273-C-G. GRCh37 (hg19) VCF-style: chr11-66475744-C-G.
Other names: c.1239G>C, p.Glu413Asp (NM_001411025.1); short protein forms E406D, E413D.
Identifiers: ClinVar variation 3602949 (VCV003602949.1).

ClinVar aggregate classification (germline): Uncertain significance (1 of 4 stars; one submission).

Submission:

GeneDx
Classification: Uncertain significance. Last evaluated: 2024-08-02. Review status: criteria provided, single submitter. Criteria: GeneDx Variant Classification Process June 2021. Collection method: clinical testing. Allele origin: germline. Affected: yes.
Comment: Not observed at significant frequency in large population cohorts (gnomAD); In silico analysis supports that this missense variant has a deleterious effect on protein structure/function; Has not been previously published as pathogenic or benign to our knowledge